The following is an entry in ClinVar:

NM_000059.4(BRCA2):c.7886_7897del (p.Trp2629_Ala2633delinsSer)

Gene: BRCA2 (BRCA2 DNA repair associated; plus strand). Cytogenetic location: 13q13.1.
Variant type: Deletion.
Coding change: c.7886_7897del on transcript NM_000059.4 (MANE Select); coding-DNA positions 7886 to 7897, 12 bases deleted (GGAAACTGGCAG).
Protein change: p.Trp2629_Ala2633delinsSer.
Molecular consequence: inframe indel.
Genome position (GRCh38, 1-based): chr13:32,362,603-32,362,614, GGAAACTGGCAG deleted. VCF-style (leftmost placement, unchanged base first): chr13-32362602-TGGAAACTGGCAG-T. GRCh37 (hg19) VCF-style: chr13-32936739-TGGAAACTGGCAG-T.
Identifiers: ClinVar variation 1050427 (VCV001050427.1), dbSNP rs2137577128, ClinGen allele CA2499222313.

ClinVar aggregate classification (germline): Uncertain significance (0 of 4 stars; one submission).

Conditions:
Breast-ovarian cancer, familial, susceptibility to, 2 (BROVCA2). Also called: BRCA2 Hereditary Breast and Ovarian Cancer. Identifiers: Orphanet 145, MedGen C2675520, MONDO:0012933, OMIM 612555. Disease mechanism: loss of function.

Submission:

Department of Pathology and Laboratory Medicine, Sinai Health System
Classification: Uncertain significance for Breast-ovarian cancer, familial, susceptibility to, 2. Review status: no assertion criteria provided. Collection method: clinical testing. Allele origin: unknown. Affected: yes. Study: The Canadian Open Genetics Repository (COGR).
Comment: The BRCA2 p.(Trp2629_Ala2633delinsSer) variant was not identified in the literature nor was it identified in the dbSNP database, 1000genomes, COSMIC, or clinvar databases. The variant was not identified in the following control databases: the Exome Aggregation Consortium (August 8th 2016), or the Genome Aggregation Database (Feb 27, 2017). This variant is an in-frame deletion resulting in the removal of 5 amino acid recidues begining with a tryptophan (trp) residue at codon 2629, and the insertion of a serine (ser); the impact of this alteration on BRCA2 protein function is not known. In summary, based on the above information the clinical significance of this variant cannot be determined with certainty at this time. This variant is classified as a variant of uncertain significance.